The following is an entry in ClinVar:

NM_145239.3(PRRT2):c.658C>T (p.Gln220Ter)

Genes: MVP-DT (MVP divergent transcript; minus strand), PRRT2 (proline rich transmembrane protein 2; plus strand). Cytogenetic location: 16p11.2.
Variant type: single nucleotide variant.
Coding change: c.658C>T on transcript NM_145239.3 (MANE Select); coding-DNA position 658, C replaced by T.
Protein change: p.Gln220Ter; replaces glutamine 220 with a stop codon.
Molecular consequence: nonsense.
Genome position (GRCh38, 1-based): chr16:29,813,712, C>T. VCF-style: chr16-29813712-C-T. GRCh37 (hg19) VCF-style: chr16-29825033-C-T.
Other names: c.658C>T, p.Gln220Ter (NM_001256442.2, NM_001256443.2); short protein forms Q220*.
Identifiers: ClinVar variation 1358607 (VCV001358607.6), dbSNP rs1217390170, ClinGen allele CA395479192.

ClinVar aggregate classification (germline): Pathogenic (1 of 4 stars; one submission).

Conditions:
Episodic kinesigenic dyskinesia (EKD). Also called: Paroxysmal kinesigenic dyskinesia. Identifiers: Orphanet 98809, MedGen C1868682, MONDO:0044202.

Allele frequency attached by ClinVar (database versions not stated): TOPMed below 0.00001.

Submission:

Labcorp Genetics (formerly Invitae), Labcorp
Classification: Pathogenic for Episodic kinesigenic dyskinesia. Last evaluated: 2023-08-10. Review status: criteria provided, single submitter. Criteria: Invitae Variant Classification Sherloc (09022015). Collection method: clinical testing. Allele origin: germline.
Comment: For these reasons, this variant has been classified as Pathogenic. This sequence change creates a premature translational stop signal (p.Gln220*) in the PRRT2 gene. It is expected to result in an absent or disrupted protein product. Loss-of-function variants in PRRT2 are known to be pathogenic (PMID: 22623405, 22744660). This variant is not present in population databases (gnomAD no frequency). This variant has not been reported in the literature in individuals affected with PRRT2-related conditions. ClinVar contains an entry for this variant (Variation ID: 1358607).

Literature cited by the submitters: PubMed 22623405; PubMed 22744660.